The following is an entry in ClinVar:

ClinVar aggregate classification (germline): Pathogenic (1 of 4 stars; one submission).

Conditions:
Gray platelet syndrome (GPS). Also called: BLEEDING DISORDER, PLATELET-TYPE, 4. Identifiers: Orphanet 721, MedGen C0272302, MONDO:0007686, OMIM 139090.

Allele frequency attached by ClinVar (database versions not stated): gnomAD exomes below 0.00001.

Submissions (2):

NIHR Bioresource Rare Diseases, University of Cambridge
Classification: Pathogenic for Gray platelet syndrome. Last evaluated: 2020-03-01. Review status: criteria provided, single submitter. Criteria: ACMG Guidelines, 2015. Collection method: research. Allele origin: unknown. Inheritance: Autosomal recessive inheritance. Affected: yes.
Comment: ACMG criteria: PVS1, PM2, PP4

Dr. Peter K. Rogan Lab, Western University
No classification provided (evidence only). Condition: Malignant tumor of urinary bladder. Review status: no classification provided. Collection method: in vitro. Allele origin: not applicable. Functional consequence: skipped exon, retained intron. Not counted in ClinVar's aggregate classification.

Literature cited by the submitters: PubMed 32693407 (cited by NIHR Bioresource Rare Diseases, University of Cambridge); PubMed 32581362 (cited by NIHR Bioresource Rare Diseases, University of Cambridge).

NM_015175.3(NBEAL2):c.3118+2T>G

Gene: NBEAL2 (neurobeachin like 2; plus strand). Cytogenetic location: 3p21.31.
Variant type: single nucleotide variant.
Coding change: c.3118+2T>G on transcript NM_015175.3 (MANE Select); the canonical splice donor site of the intron after coding-DNA position 3118, T replaced by G.
Molecular consequence: splice donor variant.
Genome position (GRCh38, 1-based): chr3:46,998,228, T>G. VCF-style: chr3-46998228-T-G. GRCh37 (hg19) VCF-style: chr3-47039718-T-G.
Other names: NC_000003.11:g.47039718T>G; c.3016+2T>G (NM_001365116.2).
Identifiers: ClinVar variation 812961 (VCV000812961.3), dbSNP rs1349443190, ClinGen allele CA352512912.